The following is an entry in ClinVar:

ClinVar aggregate classification (germline): Uncertain significance (1 of 4 stars; one submission).

Submission:

Labcorp Genetics (formerly Invitae), Labcorp
Classification: Uncertain significance. Last evaluated: 2021-12-21. Review status: criteria provided, single submitter. Criteria: Invitae Variant Classification Sherloc (09022015). Collection method: clinical testing. Allele origin: germline.
Comment: This sequence change falls in intron 3 of the DHX32 gene. It does not directly change the encoded amino acid sequence of the DHX32 protein. It affects a nucleotide within the consensus splice site. This variant is not present in population databases (gnomAD no frequency). This variant has not been reported in the literature in individuals affected with DHX32-related conditions. Variants that disrupt the consensus splice site are a relatively common cause of aberrant splicing (PMID: 17576681, 9536098). Algorithms developed to predict the effect of sequence changes on RNA splicing suggest that this variant is not likely to affect RNA splicing. In summary, the available evidence is currently insufficient to determine the role of this variant in disease. Therefore, it has been classified as a Variant of Uncertain Significance.

Literature cited by the submitters: PubMed 17576681; PubMed 9536098.

NM_018180.3(DHX32):c.850-3T>C

Gene: DHX32 (DEAH-box helicase 32 (putative); minus strand). Cytogenetic location: 10q26.2.
Variant type: single nucleotide variant.
Coding change: c.850-3T>C on transcript NM_018180.3 (MANE Select); 3 bases into the intron before coding-DNA position 850, T replaced by C.
Molecular consequence: intron variant.
Genome position (GRCh38, 1-based): chr10:125,854,206, A>G on the plus strand (T>C on the coding strand, the complement: DHX32 is on the minus strand). VCF-style: chr10-125854206-A-G. GRCh37 (hg19) VCF-style: chr10-127542775-A-G.
Identifiers: ClinVar variation 2052073 (VCV002052073.4), dbSNP rs2494423305, ClinGen allele CA2580082453.